The following is an entry in ClinVar:

NM_005546.4(ITK):c.1082C>T (p.Ser361Leu)

Gene: ITK (IL2 inducible T cell kinase; plus strand). Cytogenetic location: 5q33.3.
Variant type: single nucleotide variant.
Coding change: c.1082C>T on transcript NM_005546.4 (MANE Select); coding-DNA position 1082, C replaced by T.
Protein change: p.Ser361Leu; replaces serine 361 with leucine.
Molecular consequence: missense variant.
Genome position (GRCh38, 1-based): chr5:157,243,644, C>T. VCF-style: chr5-157243644-C-T. GRCh37 (hg19) VCF-style: chr5-156670654-C-T.
Other names: short protein forms S361L.
Identifiers: ClinVar variation 944136 (VCV000944136.11), dbSNP rs1031236089, ClinGen allele CA130158876.

ClinVar aggregate classification (germline): Uncertain significance. Review status: criteria provided, multiple submitters, no conflicts (2 of 4 stars). 3 submissions from 3 submitters: Uncertain significance (3). Last evaluated 2025-08-12.

Conditions:
Lymphoproliferative syndrome 1 (LPFS1). Identifiers: Orphanet 238505, Orphanet 538963, MedGen C3552634, MONDO:0013081, OMIM 613011.
Inborn genetic diseases. Identifiers: MedGen C0950123, MeSH D030342.

Allele frequency attached by ClinVar (database versions not stated): gnomAD exomes below 0.00001 and 0.00001; gnomAD 0.00001; TOPMed 0.00003.
gnomAD v4.1: 10 of 1,612,870 alleles (0.00062%); highest among the groups gnomAD compares: African/African-American, 0.004%; no homozygotes.

Submissions (3):

Ambry Genetics
Classification: Uncertain significance for Inborn genetic diseases. Last evaluated: 2025-08-12. Review status: criteria provided, single submitter. Criteria: Ambry Variant Classification Scheme 2023. Collection method: clinical testing. Allele origin: germline.

Labcorp Genetics (formerly Invitae), Labcorp
Classification: Uncertain significance for Lymphoproliferative syndrome 1. Last evaluated: 2024-07-15. Review status: criteria provided, single submitter. Criteria: Invitae Variant Classification Sherloc (09022015). Collection method: clinical testing. Allele origin: germline.
Comment: This sequence change replaces serine, which is neutral and polar, with leucine, which is neutral and non-polar, at codon 361 of the ITK protein (p.Ser361Leu). This variant is present in population databases (no rsID available, gnomAD 0.0009%). This variant has not been reported in the literature in individuals affected with ITK-related conditions. ClinVar contains an entry for this variant (Variation ID: 944136). Advanced modeling of protein sequence and biophysical properties (such as structural, functional, and spatial information, amino acid conservation, physicochemical variation, residue mobility, and thermodynamic stability) performed at Invitae indicates that this missense variant is not expected to disrupt ITK protein function with a negative predictive value of 80%. In summary, the available evidence is currently insufficient to determine the role of this variant in disease. Therefore, it has been classified as a Variant of Uncertain Significance.

Laboratorio de Genetica e Diagnostico Molecular, Hospital Israelita Albert Einstein
Classification: Uncertain significance for Lymphoproliferative syndrome 1. Last evaluated: 2024-01-05. Review status: criteria provided, single submitter. Criteria: ACMG Guidelines, 2015. Collection method: clinical testing. Allele origin: germline. Affected: yes.
Comment: ACMG classification criteria: PM2 moderate, BP4 supporting